The following is an entry in ClinVar:

NM_005633.4(SOS1):c.3673G>A (p.Val1225Ile)

Gene: SOS1 (SOS Ras/Rac guanine nucleotide exchange factor 1; minus strand). Cytogenetic location: 2p22.1.
Variant type: single nucleotide variant.
Coding change: c.3673G>A on transcript NM_005633.4 (MANE Select); coding-DNA position 3673, G replaced by A.
Protein change: p.Val1225Ile; replaces valine 1225 with isoleucine.
Molecular consequence: missense variant.
Genome position (GRCh38, 1-based): chr2:38,986,153, C>T on the plus strand (G>A on the coding strand, the complement: SOS1 is on the minus strand). VCF-style: chr2-38986153-C-T. GRCh37 (hg19) VCF-style: chr2-39213294-C-T.
Other names: c.3652G>A, p.Val1218Ile (NM_001382394.1); c.3628G>A, p.Val1210Ile (NM_001382395.1); short protein forms V1210I, V1225I, V1218I.
Identifiers: ClinVar variation 2730901 (VCV002730901.3), dbSNP rs2528871614, ClinGen allele CA346362552.

ClinVar aggregate classification (germline): Uncertain significance (1 of 4 stars; one submission).

Conditions:
RASopathy. Also called: rasopathies; Noonan spectrum disorder. Identifiers: Orphanet 536391, MedGen C5555857, MONDO:0021060.

Allele frequency attached by ClinVar (database versions not stated): gnomAD exomes below 0.00001.
gnomAD v4.1: 1 of 1,613,810 alleles (0.000062%); highest among the groups gnomAD compares: Non-Finnish European, 0.000085%; no homozygotes.

Submission:

Labcorp Genetics (formerly Invitae), Labcorp
Classification: Uncertain significance for RASopathy. Last evaluated: 2023-10-18. Review status: criteria provided, single submitter. Criteria: Invitae Variant Classification Sherloc (09022015). Collection method: clinical testing. Allele origin: germline.
Comment: This sequence change replaces valine, which is neutral and non-polar, with isoleucine, which is neutral and non-polar, at codon 1225 of the SOS1 protein (p.Val1225Ile). This variant is not present in population databases (gnomAD no frequency). This variant has not been reported in the literature in individuals affected with SOS1-related conditions. Advanced modeling of protein sequence and biophysical properties (such as structural, functional, and spatial information, amino acid conservation, physicochemical variation, residue mobility, and thermodynamic stability) performed at Invitae indicates that this missense variant is not expected to disrupt SOS1 protein function. In summary, the available evidence is currently insufficient to determine the role of this variant in disease. Therefore, it has been classified as a Variant of Uncertain Significance.